The following is an entry in ClinVar:

ClinVar aggregate classification (germline): Likely pathogenic (1 of 4 stars; one submission).

Conditions:
Cardiomyopathy, familial hypertrophic 27. Identifiers: MedGen C4748014, MONDO:0054838, OMIM 618052.

Submission:

Juno Genomics, Hangzhou Juno Genomics, Inc
Classification: Likely pathogenic for Cardiomyopathy, familial hypertrophic 27. Review status: criteria provided, single submitter. Criteria: ACMG Guidelines, 2015. Collection method: clinical testing. Allele origin: germline.
Comment: Null variant in a gene where loss of function (LOF) is a known mechanism of disease.;Absent from controls (or at extremely low frequency if recessive) in Genome Aggregation Database.

NM_020778.5(ALPK3):c.1565_1566del (p.Val522fs)

Genes: ALPK3 (alpha kinase 3; plus strand), LOC111718493 (skeletal muscle cis-regulatory module overlapping ALPK3; plus strand). Cytogenetic location: 15q25.3.
Variant type: Microsatellite.
Coding change: c.1565_1566del on transcript NM_020778.5 (MANE Select); coding-DNA positions 1565 to 1566, 2 bases deleted (TG; older notation c.1565_1566delTG).
Protein change: p.Val522fs; shifts the reading frame from valine 522.
Molecular consequence: frameshift variant.
Genome position (GRCh38, 1-based): chr15:84,840,844-84,840,845, TG deleted; deleting any 2 consecutive bases within chr15:84,840,842-84,840,845 gives the same sequence; the c. name uses the placement nearest the transcript's 3' end. VCF-style (leftmost placement, unchanged base first): chr15-84840841-CTG-C. GRCh37 (hg19) VCF-style: chr15-85384072-CTG-C.
Other names: short protein forms V522fs.
Identifiers: ClinVar variation 5005471 (VCV005005471.2).
Genomic context (GRCh38, chr15:84,840,841, plus strand): 5'-CTCTGAGTCAAGCTCCAGAATGCGGGGCCCAGAGCTTAGGAAAGGCCCCACCTCAGGCCT[CTG>C]TGCAGGTGCCGACGCCCCCTGCCCGGCGGAGACATGGCACCCGGGACAGCACGTTGCAGG-3'